The following is an entry in ClinVar:

ClinVar aggregate classification (germline): Uncertain significance (1 of 4 stars; one submission).

Conditions:
Hereditary cancer-predisposing syndrome. Also called: Tumor predisposition; Neoplastic Syndromes, Hereditary; Hereditary neoplastic syndrome; Hereditary Cancer Syndrome. Identifiers: Orphanet 140162, MedGen C0027672, MeSH D009386, MONDO:0015356.

Submission:

Ambry Genetics
Classification: Uncertain significance for Hereditary cancer-predisposing syndrome. Last evaluated: 2025-08-14. Review status: criteria provided, single submitter. Criteria: Ambry Variant Classification Scheme 2023. Collection method: clinical testing. Allele origin: germline.
Comment: The p.D60N variant (also known as c.178G>A), located in coding exon 3 of the MRE11A gene, results from a G to A substitution at nucleotide position 178. The aspartic acid at codon 60 is replaced by asparagine, an amino acid with highly similar properties. This amino acid position is conserved. In addition, the in silico prediction for this alteration is inconclusive. Based on the available evidence, the clinical significance of this variant remains unclear.

NM_005591.4(MRE11):c.178G>A (p.Asp60Asn)

Gene: MRE11 (MRE11 double strand break repair nuclease; minus strand). Cytogenetic location: 11q21.
Variant type: single nucleotide variant.
Coding change: c.178G>A on transcript NM_005591.4 (MANE Select); coding-DNA position 178, G replaced by A.
Protein change: p.Asp60Asn; replaces aspartic acid 60 with asparagine.
Molecular consequence: missense variant. On other transcripts: 5 prime UTR variant (3).
Genome position (GRCh38, 1-based): chr11:94,486,060, C>T on the plus strand (G>A on the coding strand, the complement: MRE11 is on the minus strand). VCF-style: chr11-94486060-C-T. GRCh37 (hg19) VCF-style: chr11-94219226-C-T.
Other names: c.178G>A, p.Asp60Asn (NM_001330347.2, NM_001440460.1, NM_001440461.1 and 21 more transcripts); c.103G>A, p.Asp35Asn (NM_001440471.1, NM_001440472.1, NM_001440479.1); c.-287G>A (NM_001440485.1, NM_001440486.1, NM_001440487.1); short protein forms D35N, D60N.
Identifiers: ClinVar variation 4110096 (VCV004110096.1).
Genomic context (GRCh38, chr11:94,486,060, plus strand): 5'-TTAATAACTCGAGGCAGGTATGTAATGTTTTCCTTGAGGGCTTATTTTCATGAAAAAGAT[C>T]ACCACCTAACAAAATAAAATCCACCTGATCAACAGAAAAAGGTGTTAAAATTAGTATGTT-3'
Protein context (NP_005582.1, residues 50-70): NEVDFILLGG[Asp60Asn]LFHENKPSRK